The following is an entry in ClinVar:

NC_000017.10:g.(?_78032273)_(78163691_?)dup

Genes: CARD14 (caspase recruitment domain family member 14; plus strand), CCDC40 (coiled-coil domain 40 molecular ruler complex subunit; plus strand), EIF4A3 (eukaryotic translation initiation factor 4A3; minus strand), GAA (alpha glucosidase; plus strand). Cytogenetic location: 17q25.3.
Variant type: Duplication.
Identifiers: ClinVar variation 1412377 (VCV001412377.5).

ClinVar aggregate classification (germline): Uncertain significance (1 of 4 stars; one submission).

Conditions:
Pityriasis rubra pilaris (PRP). Also called: Pityriasis rubra pilaris--familial type. Identifiers: Orphanet 2897, MedGen C0032027, MONDO:0100017, OMIM 173200, MONDO:0008251.
Psoriasis 2. Identifiers: MedGen C1864497, MONDO:0011269, OMIM 602723.

Submission:

Labcorp Genetics (formerly Invitae), Labcorp
Classification: Uncertain significance for Pityriasis rubra pilaris; Psoriasis 2. Last evaluated: 2021-09-26. Review status: criteria provided, single submitter. Criteria: Invitae Variant Classification Sherloc (09022015). Collection method: clinical testing. Allele origin: germline.
Comment: In summary, the available evidence is currently insufficient to determine the role of this variant in disease. Therefore, it has been classified as a Variant of Uncertain Significance. This variant has not been reported in the literature in individuals affected with CARD14-related conditions. This variant results in a copy number gain of the genomic region encompassing exon(s) 1-6 of the CARD14 gene. This region includes the initiator codon of the gene. The 5' end of this event is unknown as it extends beyond the assayed region for this gene and therefore may encompass additional genes. The 3' boundary is likely confined to intron 6 of the CARD14 gene. As the precise location of this event is unknown, it may be in tandem or it may be located elsewhere in the genome.